The following is an entry in ClinVar:

ClinVar aggregate classification (germline): Conflicting classifications of pathogenicity. Review status: criteria provided, conflicting classifications (1 of 4 stars). 13 submissions from 12 submitters: Likely pathogenic (7); Uncertain significance (3). 3 of the submissions do not count toward it. Last evaluated 2026-01-26.

Conditions:
KCNQ1-related disorder. Also called: KCNQ1-related disorders; KCNQ1-related condition. Identifiers: MedGen CN239322.
Cardiovascular phenotype. Identifiers: MedGen CN230736.
Familial long QT syndrome (RWS). Also called: Romano-Ward syndrome; VENTRICULAR FIBRILLATION WITH PROLONGED QT INTERVAL; Congenital long QT syndrome. Identifiers: Orphanet 768, MedGen C1141890, MONDO:0019171.
Cardiac arrhythmia. Also called: Cardiac rhythm disease; Arrhythmia. Identifiers: MedGen C0003811, MONDO:0007263, HP:0011675.
Atrial fibrillation, familial, 3 (ATFB3). Identifiers: MedGen C1837014, MONDO:0011857, OMIM 607554.
Long QT syndrome 1 (LQT1). Identifiers: Orphanet 101016, Orphanet 768, MedGen C4551647, MONDO:0100316, OMIM 192500, MONDO:0008646.
Short QT syndrome type 2. Identifiers: Orphanet 51083, MedGen C1865019, MONDO:0012313, OMIM 609621.
Jervell and Lange-Nielsen syndrome 1 (JLNS1). Also called: PROLONGED QT INTERVAL IN EKG AND SUDDEN DEATH; SURDO-CARDIAC SYNDROME; CARDIOAUDITORY SYNDROME OF JERVELL AND LANGE-NIELSEN; DEAFNESS, CONGENITAL, AND FUNCTIONAL HEART DISEASE. Identifiers: Orphanet 768, Orphanet 90647, MedGen C4551509, MONDO:0024540, OMIM 220400.
Beckwith-Wiedemann syndrome (BWS). Also called: EMG SYNDROME; Exomphalos macroglossia gigantism syndrome. Identifiers: Orphanet 116, MedGen C0004903, MONDO:0007534, OMIM 130650.
Long QT syndrome (LQTS). Identifiers: MedGen C0023976, MeSH D008133, MONDO:0002442. Disease mechanism: loss of function. Inheritance: Various modes of inheritance.
Acquired susceptibility to long QT syndrome 1. Identifiers: MedGen C1843738.

Allele frequency attached by ClinVar (database versions not stated): TOPMed 0.00001; gnomAD exomes 0.00002; ExAC 0.00002.
gnomAD v4.1: 32 of 1,613,808 alleles (0.002%); highest among the groups gnomAD compares: Non-Finnish European, 0.0025%; no homozygotes.

Submissions (13):

Labcorp Genetics (formerly Invitae), Labcorp
Classification: Likely pathogenic for Long QT syndrome. Last evaluated: 2026-01-26. Review status: criteria provided, single submitter. Criteria: Invitae Variant Classification Sherloc (09022015). Collection method: clinical testing. Allele origin: germline.
Comment: This sequence change replaces arginine, which is basic and polar, with cysteine, which is neutral and slightly polar, at codon 583 of the KCNQ1 protein (p.Arg583Cys). This variant is present in population databases (rs17221854, gnomAD 0.003%). This missense change has been observed in individuals with clinical features of long QT syndrome (PMID: 10973849, 11997281, 32893267; external communication, internal data). ClinVar contains an entry for this variant (Variation ID: 3142). Invitae Evidence Modeling of protein sequence and biophysical properties (such as structural, functional, and spatial information, amino acid conservation, physicochemical variation, residue mobility, and thermodynamic stability) has been performed for this missense variant. However, the output from this modeling did not meet the statistical confidence thresholds required to predict the impact of this variant on KCNQ1 protein function. Experimental studies are conflicting or provide insufficient evidence to determine the effect of this variant on KCNQ1 function (PMID: 11997281, 24190995, 27690226). This variant disrupts the p.Arg583 amino acid residue in KCNQ1. Other variant(s) that disrupt this residue have been determined to be pathogenic (PMID: 15851171, 38657442). This suggests that this residue is clinically significant, and that variants that disrupt this residue are likely to be disease-causing. In summary, the currently available evidence indicates that the variant is pathogenic, but additional data are needed to prove that conclusively. Therefore, this variant has been classified as Likely Pathogenic.

GeneDx
Classification: Likely pathogenic. Last evaluated: 2025-09-16. Review status: criteria provided, single submitter. Criteria: GeneDx Variant Classification Process June 2021. Collection method: clinical testing. Allele origin: germline. Affected: yes.
Comment: Observed in individuals with LQTS in published literature (PMID: 10973849, 24606995); Published functional studies demonstrate a damaging effect on the ion current of the potassium channel (PMID: 11997281); Not observed at significant frequency in large population cohorts (gnomAD); In silico analysis supports that this missense variant has a deleterious effect on protein structure/function; This variant is associated with the following publications: (PMID: 15851285, 14760488, 22581653, 15140888, 14661677, 21699863, 11997281, 19995808, 24606995, 10973849, 27690226, 24190995, 32893267)

Color Diagnostics, LLC DBA Color Health
Classification: Uncertain significance for Cardiac arrhythmia. Last evaluated: 2025-07-07. Review status: criteria provided, single submitter. Criteria: ACMG Guidelines, 2015. Collection method: clinical testing. Allele origin: germline.
Comment: This missense variant replaces arginine with cysteine at codon 583 of the KCNQ1 protein. This variant is located within the conserved C-terminal cytoplasmic domain (a.a. 349-676) of the KCNQ1 protein. Rare non-truncating variants in this region have been shown to be significantly overrepresented in individuals with long QT syndrome (PMID: 32893267). Computational prediction suggests that this variant may have a deleterious impact on protein structure and function. Functional studies have shown that this variant causes a reduction in potassium channel current and induces a positive shift of voltage dependence of activation (PMID: 11997281, 27690226). This variant has been reported in individuals affected with long QT syndrome (PMID: 10973849, 11997281, 24606995, 32893267). This variant has been identified in 4/251016 chromosomes in the general population by the Genome Aggregation Database (gnomAD). The available evidence is insufficient to determine the role of this variant in disease conclusively. Therefore, this variant is classified as a Variant of Uncertain Significance.

Blueprint Genetics
Classification: Likely pathogenic for KCNQ1-related disorders. Last evaluated: 2024-11-05. Review status: criteria provided, single submitter. Criteria: ACMG Guidelines, 2015. Collection method: clinical testing. Allele origin: germline. Affected: yes. Observed: 5 variant alleles.

All of Us Research Program, National Institutes of Health
Classification: Uncertain significance for Long QT syndrome. Last evaluated: 2024-08-06. Review status: criteria provided, single submitter. Criteria: ACMG Guidelines, 2015. Collection method: clinical testing. Allele origin: germline. Inheritance: Autosomal dominant inheritance. Observed: 1 variant allele, 1 heterozygote.
Comment: This study involves interpretation of variants in research participants for the purpose of population health screening. Participant phenotype was not available at the time of variant classification. Additional details can be found in publication PMID: 35346344, PMCID: PMC8962531

CeGaT Center for Human Genetics Tuebingen
Classification: Likely pathogenic. Last evaluated: 2023-12-01. Review status: criteria provided, single submitter. Criteria: CeGaT Center For Human Genetics Tuebingen Variant Classification Criteria Version 2. Collection method: clinical testing. Allele origin: germline. Affected: yes. Observed: 2 variant alleles.
Comment: KCNQ1: PM1, PM5, PS4:Moderate

Department of Pathology and Laboratory Medicine, Sinai Health System
Classification: Likely pathogenic for Jervell and Lange-Nielsen syndrome 1; Atrial fibrillation, familial, 3; Long QT syndrome 1; Short QT syndrome type 2. Last evaluated: 2023-03-03. Review status: criteria provided, single submitter. Criteria: ACMG Guidelines, 2015. Collection method: research. Allele origin: germline.

Ambry Genetics
Classification: Uncertain significance for Cardiovascular phenotype. Last evaluated: 2022-07-12. Review status: criteria provided, single submitter. Criteria: Ambry Variant Classification Scheme 2023. Collection method: clinical testing. Allele origin: germline.

Revvity Omics, Revvity
Classification: Likely pathogenic. Last evaluated: 2020-08-10. Review status: criteria provided, single submitter. Criteria: ACMG Guidelines, 2015. Collection method: clinical testing. Allele origin: germline.

Fulgent Genetics
Classification: Likely pathogenic for Beckwith-Wiedemann syndrome; Long QT syndrome 1; Jervell and Lange-Nielsen syndrome 1; Atrial fibrillation, familial, 3; Short QT syndrome type 2. Last evaluated: 2018-10-31. Review status: criteria provided, single submitter. Criteria: ACMG Guidelines, 2015. Collection method: clinical testing. Allele origin: unknown.

OMIM
Classification: Pathogenic for LONG QT SYNDROME 1. Last evaluated: 2002-04-23. Review status: no assertion criteria provided. Collection method: literature only. Allele origin: germline. Not counted in ClinVar's aggregate classification.

OMIM
Classification: risk factor for LONG QT SYNDROME 1, ACQUIRED, SUSCEPTIBILITY TO. Last evaluated: 2002-04-23. Review status: no assertion criteria provided. Collection method: literature only. Allele origin: germline. Not counted in ClinVar's aggregate classification.

Cardiovascular Biomedical Research Unit, Royal Brompton & Harefield NHS Foundation Trust
No classification provided. Condition: Familial long QT syndrome. Review status: no classification provided. Collection method: literature only. Allele origin: germline. Not counted in ClinVar's aggregate classification.
Comment: This variant has been reported as associated with Long QT syndrome in the following publications (PMID:10973849;PMID:11997281;PMID:14760488). This is a literature report, and does not necessarily reflect the clinical interpretation of the Imperial College / Royal Brompton Cardiovascular Genetics laboratory.

Literature cited by the submitters: PubMed 10973849 (cited by 4 submitters); PubMed 11997281 (cited by 4 submitters); PubMed 32893267 (cited by Labcorp Genetics (formerly Invitae), Labcorp and Color Diagnostics, LLC DBA Color Health); PubMed 24190995 (cited by Labcorp Genetics (formerly Invitae), Labcorp); PubMed 27690226 (cited by Labcorp Genetics (formerly Invitae), Labcorp and Color Diagnostics, LLC DBA Color Health); PubMed 15851171 (cited by Labcorp Genetics (formerly Invitae), Labcorp); PubMed 38657442 (cited by Labcorp Genetics (formerly Invitae), Labcorp); PubMed 24606995 (cited by Color Diagnostics, LLC DBA Color Health); PubMed 14760488 (cited by Cardiovascular Biomedical Research Unit, Royal Brompton & Harefield NHS Foundation Trust); PubMed 22581653 (cited by Cardiovascular Biomedical Research Unit, Royal Brompton & Harefield NHS Foundation Trust).

NM_000218.3(KCNQ1):c.1747C>T (p.Arg583Cys)

Gene: KCNQ1 (potassium voltage-gated channel subfamily Q member 1; plus strand). Cytogenetic location: 11p15.5.
Variant type: single nucleotide variant.
Coding change: c.1747C>T on transcript NM_000218.3 (MANE Select); coding-DNA position 1747, C replaced by T.
Protein change: p.Arg583Cys; replaces arginine 583 with cysteine.
Molecular consequence: missense variant.
Genome position (GRCh38, 1-based): chr11:2,777,990, C>T. VCF-style: chr11-2777990-C-T. GRCh37 (hg19) VCF-style: chr11-2799220-C-T.
Other names: p.R583C:CGC>TGC; c.1651C>T, p.Arg551Cys (NM_001406836.1); c.1477C>T, p.Arg493Cys (NM_001406837.1); c.1207C>T, p.Arg403Cys (NM_001406838.1); c.259C>T, p.Arg87Cys (NM_001406839.1); c.1366C>T, p.Arg456Cys (NM_181798.2); c.1747C>T (LRG_287t1); short protein forms R583C, R456C, R403C, R493C, R551C, R87C.
Identifiers: ClinVar variation 3142 (VCV000003142.50), dbSNP rs17221854, ClinGen allele CA006297.
Genomic context (GRCh38, chr11:2,777,990, plus strand): 5'-CCCACCCCAGCACTTGGCCCTGATTTGGGTGTTTTATCCCCCATAGAAAAGAGCAAGGAT[C>T]GCGGCAGCAACACGATCGGCGCCCGCCTGAACCGAGTAGAAGACAAGGTAGGCTCACGCG-3'
Protein context (NP_000209.2, residues 573-593): FISVSEKSKD[Arg583Cys]GSNTIGARLN